The following is an entry in ClinVar:

NM_000138.5(FBN1):c.4144A>T (p.Asn1382Tyr)

Gene: FBN1 (fibrillin 1; minus strand). Cytogenetic location: 15q21.1.
Variant type: single nucleotide variant.
Coding change: c.4144A>T on transcript NM_000138.5 (MANE Select); coding-DNA position 4144, A replaced by T.
Protein change: p.Asn1382Tyr; replaces asparagine 1382 with tyrosine.
Molecular consequence: missense variant.
Genome position (GRCh38, 1-based): chr15:48,474,321, T>A on the plus strand (A>T on the coding strand, the complement: FBN1 is on the minus strand). VCF-style: chr15-48474321-T-A. GRCh37 (hg19) VCF-style: chr15-48766518-T-A.
Other names: c.4144A>T, p.Asn1382Tyr (NM_001406716.1); short protein forms N1382Y.
Identifiers: ClinVar variation 2949132 (VCV002949132.3), dbSNP rs2505517689, ClinGen allele CA392320251.

ClinVar aggregate classification (germline): Uncertain significance (1 of 4 stars; one submission).

Conditions:
Marfan syndrome (MFS). Also called: MARFAN SYNDROME, TYPE I; Marfan syndrome type 1; Marfan's syndrome; Marfan syndrome, classic; FBN1-Related Marfan Syndrome. Identifiers: Orphanet 284963, Orphanet 558, MedGen C0024796, MONDO:0007947, OMIM 154700.
Familial thoracic aortic aneurysm and aortic dissection (TAAD). Also called: Thoracic aortic aneurysms and dissections. Identifiers: Orphanet 91387, MedGen C4707243, MONDO:0019625.

Submission:

Labcorp Genetics (formerly Invitae), Labcorp
Classification: Uncertain significance for Marfan syndrome; Familial thoracic aortic aneurysm and aortic dissection. Last evaluated: 2023-06-27. Review status: criteria provided, single submitter. Criteria: Invitae Variant Classification Sherloc (09022015). Collection method: clinical testing. Allele origin: germline.
Comment: This sequence change replaces asparagine, which is neutral and polar, with tyrosine, which is neutral and polar, at codon 1382 of the FBN1 protein (p.Asn1382Tyr). This variant is not present in population databases (gnomAD no frequency). This variant has not been reported in the literature in individuals affected with FBN1-related conditions. Advanced modeling of protein sequence and biophysical properties (such as structural, functional, and spatial information, amino acid conservation, physicochemical variation, residue mobility, and thermodynamic stability) performed at Invitae indicates that this missense variant is expected to disrupt FBN1 protein function. This variant disrupts the p.Asn1382 amino acid residue in FBN1. Other variant(s) that disrupt this residue have been observed in individuals with FBN1-related conditions (PMID: 7611299, 18087243), which suggests that this may be a clinically significant amino acid residue. In summary, the available evidence is currently insufficient to determine the role of this variant in disease. Therefore, it has been classified as a Variant of Uncertain Significance.

Literature cited by the submitters: PubMed 7611299; PubMed 18087243.